The following is an entry in ClinVar:

NM_005251.3(FOXC2):c.386_387delinsTT (p.Cys129Phe)

Genes: FOXC2 (forkhead box C2; plus strand), FOXC2-AS1 (FOXC2 antisense RNA 1; minus strand). Cytogenetic location: 16q24.1.
Variant type: Indel.
Coding change: c.386_387delinsTT on transcript NM_005251.3 (MANE Select); coding-DNA positions 386 to 387, GC replaced by TT.
Protein change: p.Cys129Phe; replaces cysteine 129 with phenylalanine.
Molecular consequence: missense variant. On other transcripts: non-coding transcript variant (1).
Genome position (GRCh38, 1-based): chr16:86,567,721-86,567,722, GC replaced by TT. VCF-style: chr16-86567721-GC-TT. GRCh37 (hg19) VCF-style: chr16-86601327-GC-TT.
Other names: short protein forms C129F.
Identifiers: ClinVar variation 4975883 (VCV004975883.1).
Genomic context (GRCh38, chr16:86,567,721, plus strand): 5'-ACCGGGAGAACAAGCAGGGCTGGCAGAACAGCATCCGCCACAACCTCTCGCTCAACGAGT[GC>TT]TTCGTCAAGGTGCCCCGCGACGACAAGAAGCCCGGCAAGGGCAGTTACTGGACCCTGGAC-3'
Protein context (NP_005242.1, residues 119-139): SIRHNLSLNE[Cys129Phe]FVKVPRDDKK

ClinVar aggregate classification (germline): Uncertain significance (1 of 4 stars; one submission).

Submission:

GeneDx
Classification: Uncertain significance. Last evaluated: 2026-01-29. Review status: criteria provided, single submitter. Criteria: GeneDx Variant Classification Process June 2021. Collection method: clinical testing. Allele origin: germline.
Comment: Not observed at significant frequency in large population cohorts (gnomAD); In silico analysis supports a deleterious effect on protein structure/function; Has not been previously published as pathogenic or benign to our knowledge.